The following is an entry in ClinVar:

NM_000548.5(TSC2):c.1599+1G>A

Gene: TSC2 (TSC complex subunit 2; plus strand). Cytogenetic location: 16p13.3.
Variant type: single nucleotide variant.
Coding change: c.1599+1G>A on transcript NM_000548.5 (MANE Select); the canonical splice donor site of the intron after coding-DNA position 1599, G replaced by A.
Molecular consequence: splice donor variant.
Genome position (GRCh38, 1-based): chr16:2,064,428, G>A. VCF-style: chr16-2064428-G-A. GRCh37 (hg19) VCF-style: chr16-2114429-G-A.
Other names: c.255+1G>A (NM_001406693.1, NM_001406689.1, NM_001406690.1 and 6 more transcripts); c.1689+1G>A (NM_001406667.1, NM_001406668.1); c.999+1G>A (NM_001406680.1, NM_001406683.1, NM_001406687.1 and 6 more transcripts); c.-4+1G>A (NM_001406698.1); c.1599+1G>A (NM_001114382.3, NM_001406663.1, NM_001406664.1 and 6 more transcripts); c.1587+1G>A (NM_001406671.1, NM_001406673.1); c.1137+1G>A (NM_001406681.1); c.1488+1G>A (NM_001406670.1, NM_001318827.2, NM_001406678.1); and 3 more.
Identifiers: ClinVar variation 49646 (VCV000049646.10), dbSNP rs45517182, ClinGen allele CA015195.

ClinVar aggregate classification (germline): Pathogenic. Review status: criteria provided, multiple submitters, no conflicts (2 of 4 stars). 5 submissions from 5 submitters: Pathogenic (4). 1 of the submissions does not count toward it. Last evaluated 2026-02-18.

Conditions:
Hereditary cancer-predisposing syndrome. Also called: Neoplastic Syndromes, Hereditary; Hereditary neoplastic syndrome; Hereditary Cancer Syndrome; Tumor predisposition. Identifiers: Orphanet 140162, MedGen C0027672, MeSH D009386, MONDO:0015356.
Tuberous sclerosis syndrome (TSC). Also called: Tuberous Sclerosis Complex; Tuberous sclerosis. Identifiers: Orphanet 805, MedGen C0041341, MONDO:0001734.
Tuberous sclerosis 2 (TSC2). Identifiers: Orphanet 805, MedGen C1860707, MONDO:0013199, OMIM 613254.

Submissions (5):

GeneDx
Classification: Pathogenic. Last evaluated: 2026-02-18. Review status: criteria provided, single submitter. Criteria: GeneDx Variant Classification Process June 2021. Collection method: clinical testing. Allele origin: germline.
Comment: Canonical splice site variant predicted to result in an in-frame loss of the adjacent exon in a gene for which loss of function is a known mechanism of disease; Deletions involving coding exons of this gene are a known mechanism of disease (HGMD); Not observed at significant frequency in large population cohorts (gnomAD); Also known as IVS14+1G>A; This variant is associated with the following publications: (PMID: 17304050, 21811971, 32917966)

Athena Diagnostics
Classification: Pathogenic. Last evaluated: 2022-08-24. Review status: criteria provided, single submitter. Criteria: Athena Diagnostics Criteria. Collection method: clinical testing. Allele origin: unknown.
Comment: This variant is expected to severely impact normal RNA splicing, and consequently, protein structure and/or function. This variant has been identified in at least one individual with clinical features associated with this gene. This variant has not been reported in large, multi-ethnic general populations.

Genome-Nilou Lab
Classification: Pathogenic for Tuberous sclerosis 2. Last evaluated: 2021-11-07. Review status: criteria provided, single submitter. Criteria: ACMG Guidelines, 2015. Collection method: clinical testing. Allele origin: germline. Affected: no.

Ambry Genetics
Classification: Pathogenic for Hereditary cancer-predisposing syndrome. Last evaluated: 2016-11-02. Review status: criteria provided, single submitter. Criteria: Ambry Variant Classification Scheme 2023. Collection method: clinical testing. Allele origin: germline.
Comment: The c.1599+1G>A intronic pathogenic mutation results from a G to A substitution one nucleotide after coding exon 14 of the TSC2 gene. This alteration was detected once in a cohort of individuals with definite, probable, or possible diagnoses of tuberous sclerosis complex (Au KS et al. Genet. Med., 2007 Feb;9:88-100). In addition to the clinical data presented in the literature, alterations that disrupt the canonical splice site are expected to cause aberrant splicing, resulting in an abnormal protein or a transcript that is subject to nonsense-mediated mRNA decay. As such, this alteration is classified as a disease-causing mutation.

Tuberous sclerosis database (TSC2)
No classification provided. Condition: TSC. Review status: no classification provided. Criteria: Tuberous Sclerosis Database Assertion Criteria 2015. Collection method: curation. Allele origin: germline. Affected: yes. Not counted in ClinVar's aggregate classification.

Literature cited by the submitters: PubMed 21811971 (cited by Athena Diagnostics and Ambry Genetics); PubMed 17304050 (cited by Athena Diagnostics and Ambry Genetics).